The following is an entry in ClinVar:

ClinVar aggregate classification (germline): Uncertain significance (1 of 4 stars; one submission).

gnomAD v4.1: 8 of 1,064,155 alleles (0.00075%); highest among the groups gnomAD compares: Non-Finnish European, 0.001%; no homozygotes.

Submission:

Labcorp Genetics (formerly Invitae), Labcorp
Classification: Uncertain significance. Last evaluated: 2025-01-06. Review status: criteria provided, single submitter. Criteria: Invitae Variant Classification Sherloc (09022015). Collection method: clinical testing. Allele origin: germline.
Comment: This sequence change replaces methionine, which is neutral and non-polar, with leucine, which is neutral and non-polar, at codon 808 of the CACNA1F protein (p.Met808Leu). The frequency data for this variant in the population databases is considered unreliable, as metrics indicate poor data quality at this position in the gnomAD database. This variant has not been reported in the literature in individuals affected with CACNA1F-related conditions. An algorithm developed to predict the effect of missense changes on protein structure and function (PolyPhen-2) suggests that this variant is likely to be tolerated. In summary, the available evidence is currently insufficient to determine the role of this variant in disease. Therefore, it has been classified as a Variant of Uncertain Significance.

NM_001256789.3(CACNA1F):c.2389A>T (p.Met797Leu)

Gene: CACNA1F (calcium voltage-gated channel subunit alpha1 F; minus strand). Cytogenetic location: Xp11.23.
Variant type: single nucleotide variant.
Coding change: c.2389A>T on transcript NM_001256789.3 (MANE Select); coding-DNA position 2389, A replaced by T.
Protein change: p.Met797Leu; replaces methionine 797 with leucine.
Molecular consequence: missense variant.
Genome position (GRCh38, 1-based): chrX:49,219,788, T>A on the plus strand (A>T on the coding strand, the complement: CACNA1F is on the minus strand). VCF-style: chrX-49219788-T-A. GRCh37 (hg19) VCF-style: chrX-49076247-T-A.
Other names: c.2227A>T, p.Met743Leu (NM_001256790.3); c.2422A>T, p.Met808Leu (NM_005183.4); short protein forms M808L, M743L, M797L.
Identifiers: ClinVar variation 3695910 (VCV003695910.2).